The following is an entry in ClinVar:

ClinVar aggregate classification (germline): Uncertain significance. Review status: criteria provided, multiple submitters, no conflicts (2 of 4 stars). 2 submissions from 2 submitters: Uncertain significance (2). Last evaluated 2024-10-15.

Allele frequency attached by ClinVar (database versions not stated): TOPMed 0.00002; 1000 Genomes Project 30x 0.00016; 1000 Genomes Project 0.00020.

Submissions (2):

Labcorp Genetics (formerly Invitae), Labcorp
Classification: Uncertain significance. Last evaluated: 2024-10-15. Review status: criteria provided, single submitter. Criteria: Invitae Variant Classification Sherloc (09022015). Collection method: clinical testing. Allele origin: germline.
Comment: This sequence change replaces methionine, which is neutral and non-polar, with valine, which is neutral and non-polar, at codon 144 of the RECQL protein (p.Met144Val). This variant is present in population databases (rs544479400, gnomAD 0.04%). This variant has not been reported in the literature in individuals affected with RECQL-related conditions. ClinVar contains an entry for this variant (Variation ID: 1054959). Invitae Evidence Modeling of protein sequence and biophysical properties (such as structural, functional, and spatial information, amino acid conservation, physicochemical variation, residue mobility, and thermodynamic stability) indicates that this missense variant is not expected to disrupt RECQL protein function with a negative predictive value of 80%. In summary, the available evidence is currently insufficient to determine the role of this variant in disease. Therefore, it has been classified as a Variant of Uncertain Significance.

Ambry Genetics
Classification: Uncertain significance. Last evaluated: 2023-07-13. Review status: criteria provided, single submitter. Criteria: Ambry Variant Classification Scheme 2023. Collection method: clinical testing. Allele origin: germline.
Comment: The p.M144V variant (also known as c.430A>G), located in coding exon 4 of the RECQL gene, results from an A to G substitution at nucleotide position 430. The methionine at codon 144 is replaced by valine, an amino acid with highly similar properties. This amino acid position is highly conserved in available vertebrate species. In addition, this alteration is predicted to be deleterious by in silico analysis. Since supporting evidence is limited at this time, the clinical significance of this alteration remains unclear.

NM_002907.4(RECQL):c.430A>G (p.Met144Val)

Gene: RECQL (RecQ like helicase; minus strand). Cytogenetic location: 12p12.1.
Variant type: single nucleotide variant.
Coding change: c.430A>G on transcript NM_002907.4 (MANE Select); coding-DNA position 430, A replaced by G.
Protein change: p.Met144Val; replaces methionine 144 with valine.
Molecular consequence: missense variant.
Genome position (GRCh38, 1-based): chr12:21,486,550, T>C on the plus strand (A>G on the coding strand, the complement: RECQL is on the minus strand). VCF-style: chr12-21486550-T-C. GRCh37 (hg19) VCF-style: chr12-21639484-T-C.
Other names: c.430A>G, p.Met144Val (NM_032941.3); short protein forms M144V.
Identifiers: ClinVar variation 1054959 (VCV001054959.11), dbSNP rs544479400, ClinGen allele CA6479076.